The following is an entry in ClinVar:

NM_000166.6(GJB1):c.344T>C (p.Leu115Pro)

Gene: GJB1 (gap junction protein beta 1; plus strand). Cytogenetic location: Xq13.1.
Variant type: single nucleotide variant.
Coding change: c.344T>C on transcript NM_000166.6 (MANE Select); coding-DNA position 344, T replaced by C.
Protein change: p.Leu115Pro; replaces leucine 115 with proline.
Molecular consequence: missense variant.
Genome position (GRCh38, 1-based): chrX:71,224,051, T>C. VCF-style: chrX-71224051-T-C. GRCh37 (hg19) VCF-style: chrX-70443901-T-C.
Other names: c.344T>C, p.Leu115Pro (NM_001097642.3); short protein forms L115P.
Identifiers: ClinVar variation 1017888 (VCV001017888.7), dbSNP rs2092544190, ClinGen allele CA413501963.
Genomic context (GRCh38, chrX:71,224,051, plus strand): 5'-TGGCTCACCAGCAACACATAGAGAAGAAAATGCTACGGCTTGAGGGCCATGGGGACCCCC[T>C]ACACCTGGAGGAGGTGAAGAGGCACAAGGTCCACATCTCAGGGACACTGTGGTGGACCTA-3'
Protein context (NP_000157.1, residues 105-125): MLRLEGHGDP[Leu115Pro]HLEEVKRHKV

ClinVar aggregate classification (germline): Uncertain significance (1 of 4 stars; one submission).

Conditions:
Charcot-Marie-Tooth Neuropathy X. Identifiers: MedGen CN118851.

Submission:

Labcorp Genetics (formerly Invitae), Labcorp
Classification: Uncertain significance for Charcot-Marie-Tooth Neuropathy X. Last evaluated: 2025-11-23. Review status: criteria provided, single submitter. Criteria: Invitae Variant Classification Sherloc (09022015). Collection method: clinical testing. Allele origin: germline.
Comment: This sequence change replaces leucine, which is neutral and non-polar, with proline, which is neutral and non-polar, at codon 115 of the GJB1 protein (p.Leu115Pro). This variant is not present in population databases (gnomAD no frequency). This variant has not been reported in the literature in individuals affected with GJB1-related conditions. ClinVar contains an entry for this variant (Variation ID: 1017888). Invitae Evidence Modeling of protein sequence and biophysical properties (such as structural, functional, and spatial information, amino acid conservation, physicochemical variation, residue mobility, and thermodynamic stability) has been performed for this missense variant. However, the output from this modeling did not meet the statistical confidence thresholds required to predict the impact of this variant on GJB1 protein function. In summary, the available evidence is currently insufficient to determine the role of this variant in disease. Therefore, it has been classified as a Variant of Uncertain Significance.